The following is an entry in ClinVar:

NM_177972.3(TUB):c.551C>T (p.Thr184Met)

Genes: RIC3 (RIC3 acetylcholine receptor chaperone; minus strand), TUB (TUB bipartite transcription factor; plus strand). Cytogenetic location: 11p15.4.
Variant type: single nucleotide variant.
Coding change: c.551C>T on transcript NM_177972.3 (MANE Select); coding-DNA position 551, C replaced by T.
Protein change: p.Thr184Met; replaces threonine 184 with methionine.
Molecular consequence: missense variant.
Genome position (GRCh38, 1-based): chr11:8,095,651, C>T. VCF-style: chr11-8095651-C-T. GRCh37 (hg19) VCF-style: chr11-8117198-C-T.
Other names: c.716C>T, p.Thr239Met (NM_003320.5); c.716C>T (NM_003320.4); short protein forms T239M, T184M.
Identifiers: ClinVar variation 2155354 (VCV002155354.4), dbSNP rs769095108, ClinGen allele CA5871130.

ClinVar aggregate classification (germline): Uncertain significance. Review status: criteria provided, multiple submitters, no conflicts (2 of 4 stars). 3 submissions from 3 submitters: Uncertain significance (2). 1 of the submissions does not count toward it. Last evaluated 2024-10-14.

Conditions:
TUB-related disorder. Also called: TUB-related condition.

Allele frequency attached by ClinVar (database versions not stated): gnomAD exomes 0.00002; ExAC 0.00003; gnomAD 0.00003; TOPMed 0.00004.
gnomAD v4.1: 36 of 1,602,420 alleles (0.0022%); highest among the groups gnomAD compares: East Asian, 0.023%; no homozygotes.

Submissions (3):

Blueprint Genetics
Classification: Uncertain significance. Last evaluated: 2024-10-14. Review status: criteria provided, single submitter. Criteria: ACMG Guidelines, 2015. Collection method: clinical testing. Allele origin: germline.

Labcorp Genetics (formerly Invitae), Labcorp
Classification: Uncertain significance. Last evaluated: 2022-08-09. Review status: criteria provided, single submitter. Criteria: Invitae Variant Classification Sherloc (09022015). Collection method: clinical testing. Allele origin: germline.
Comment: This sequence change replaces threonine, which is neutral and polar, with methionine, which is neutral and non-polar, at codon 239 of the TUB protein (p.Thr239Met). This variant is present in population databases (rs769095108, gnomAD 0.05%). This variant has not been reported in the literature in individuals affected with TUB-related conditions. Algorithms developed to predict the effect of missense changes on protein structure and function are either unavailable or do not agree on the potential impact of this missense change (SIFT: "Deleterious"; PolyPhen-2: "Probably Damaging"; Align-GVGD: "Class C0"). In summary, the available evidence is currently insufficient to determine the role of this variant in disease. Therefore, it has been classified as a Variant of Uncertain Significance.

PreventionGenetics, part of Exact Sciences
Classification: Uncertain significance for TUB-related condition. Last evaluated: 2023-12-31. Review status: no assertion criteria provided. Collection method: clinical testing. Allele origin: germline. Not counted in ClinVar's aggregate classification.
Comment: The TUB c.716C>T variant is predicted to result in the amino acid substitution p.Thr239Met. To our knowledge, this variant has not been reported in the literature. This variant is reported in 0.048% of alleles in individuals of East Asian descent in gnomAD. At this time, the clinical significance of this variant is uncertain due to the absence of conclusive functional and genetic evidence.